The following is an entry in ClinVar:

ClinVar aggregate classification (germline): Uncertain significance (1 of 4 stars; one submission).

Allele frequency attached by ClinVar (database versions not stated): ExAC 0.00001; gnomAD 0.00001; TOPMed 0.00001; gnomAD exomes 0.00004; ESP Exome Variant Server 0.00008.

Submission:

Labcorp Genetics (formerly Invitae), Labcorp
Classification: Uncertain significance. Last evaluated: 2025-11-27. Review status: criteria provided, single submitter. Criteria: Invitae Variant Classification Sherloc (09022015). Collection method: clinical testing. Allele origin: germline.
Comment: This sequence change replaces proline, which is neutral and non-polar, with arginine, which is basic and polar, at codon 2486 of the COL7A1 protein (p.Pro2486Arg). This variant is present in population databases (rs368170769, gnomAD 0.003%). This variant has not been reported in the literature in individuals affected with COL7A1-related conditions. ClinVar contains an entry for this variant (Variation ID: 2157854). Invitae Evidence Modeling of protein sequence and biophysical properties (such as structural, functional, and spatial information, amino acid conservation, physicochemical variation, residue mobility, and thermodynamic stability) has been performed for this missense variant. However, the output from this modeling did not meet the statistical confidence thresholds required to predict the impact of this variant on COL7A1 protein function. In summary, the available evidence is currently insufficient to determine the role of this variant in disease. Therefore, it has been classified as a Variant of Uncertain Significance.

NM_000094.4(COL7A1):c.7457C>G (p.Pro2486Arg)

Gene: COL7A1 (collagen type VII alpha 1 chain; minus strand). Cytogenetic location: 3p21.31.
Variant type: single nucleotide variant.
Coding change: c.7457C>G on transcript NM_000094.4 (MANE Select); coding-DNA position 7457, C replaced by G.
Protein change: p.Pro2486Arg; replaces proline 2486 with arginine.
Molecular consequence: missense variant.
Genome position (GRCh38, 1-based): chr3:48,570,162, G>C on the plus strand (C>G on the coding strand, the complement: COL7A1 is on the minus strand). VCF-style: chr3-48570162-G-C. GRCh37 (hg19) VCF-style: chr3-48607595-G-C.
Other names: short protein forms P2486R.
Identifiers: ClinVar variation 2157854 (VCV002157854.3), dbSNP rs368170769, ClinGen allele CA2378493.